The following is an entry in ClinVar:

NM_001080467.3(MYO5B):c.2798A>G (p.Lys933Arg)

Gene: MYO5B (myosin VB; minus strand). Cytogenetic location: 18q21.1.
Variant type: single nucleotide variant.
Coding change: c.2798A>G on transcript NM_001080467.3 (MANE Select); coding-DNA position 2798, A replaced by G.
Protein change: p.Lys933Arg; replaces lysine 933 with arginine.
Molecular consequence: missense variant.
Genome position (GRCh38, 1-based): chr18:49,902,607, T>C on the plus strand (A>G on the coding strand, the complement: MYO5B is on the minus strand). VCF-style: chr18-49902607-T-C. GRCh37 (hg19) VCF-style: chr18-47428977-T-C.
Other names: short protein forms K933R.
Identifiers: ClinVar variation 1482903 (VCV001482903.8), dbSNP rs1181876118, ClinGen allele CA402432125.
Genomic context (GRCh38, chr18:49,902,607, plus strand): 5'-CAGTACCCAAGCCCCCGACACCCAGGTAGGGAGCTGCAGACACTGACCTGCTCATCGATC[T>C]TCCGCTGCAGCTGGACCACCTTGTTCTCCATGCCCACGTTGAGACGTTTCAGATGCTCTG-3'
Protein context (NP_001073936.1, residues 923-943): MENKVVQLQR[Lys933Arg]IDEQNKEFKT

ClinVar aggregate classification (germline): Uncertain significance (1 of 4 stars; one submission).

Allele frequency attached by ClinVar (database versions not stated): gnomAD exomes below 0.00001; TOPMed below 0.00001.
gnomAD v4.1: 4 of 1,612,528 alleles (0.00025%); highest among the groups gnomAD compares: Middle Eastern, 0.033%; no homozygotes.

Submission:

Labcorp Genetics (formerly Invitae), Labcorp
Classification: Uncertain significance. Last evaluated: 2021-06-19. Review status: criteria provided, single submitter. Criteria: Invitae Variant Classification Sherloc (09022015). Collection method: clinical testing. Allele origin: germline.
Comment: In summary, the available evidence is currently insufficient to determine the role of this variant in disease. Therefore, it has been classified as a Variant of Uncertain Significance. Algorithms developed to predict the effect of missense changes on protein structure and function are either unavailable or do not agree on the potential impact of this missense change (SIFT: "Deleterious"; PolyPhen-2: "Benign"; Align-GVGD: "Class C0"). This variant has not been reported in the literature in individuals with MYO5B-related conditions. This variant is not present in population databases (ExAC no frequency). This sequence change replaces lysine with arginine at codon 933 of the MYO5B protein (p.Lys933Arg). The lysine residue is highly conserved and there is a small physicochemical difference between lysine and arginine.